The following is an entry in ClinVar:

ClinVar aggregate classification (germline): Likely benign (1 of 4 stars; one submission).

Allele frequency attached by ClinVar (database versions not stated): 1000 Genomes Project 0.00080; 1000 Genomes Project 30x 0.00141; gnomAD 0.00207; TOPMed 0.00232; gnomAD exomes 0.00260; ExAC 0.00286.

Submission:

CeGaT Center for Human Genetics Tuebingen
Classification: Likely benign. Last evaluated: 2023-01-01. Review status: criteria provided, single submitter. Criteria: CeGaT Center For Human Genetics Tuebingen Variant Classification Criteria Version 2. Collection method: clinical testing. Allele origin: germline. Affected: yes. Observed: 1 variant allele.
Comment: DHRS13: BP4, BP7

NM_144683.4(DHRS13):c.129C>A (p.Gly43=)

Genes: DHRS13 (dehydrogenase/reductase 13; minus strand), LOC130060581 (ATAC-STARR-seq lymphoblastoid silent region 8360; plus strand). Cytogenetic location: 17q11.2.
Variant type: single nucleotide variant.
Coding change: c.129C>A on transcript NM_144683.4 (MANE Select); coding-DNA position 129, C replaced by A.
Protein change: p.Gly43=; no amino-acid change (glycine 43 retained).
Molecular consequence: synonymous variant.
Genome position (GRCh38, 1-based): chr17:28,902,700, G>T on the plus strand (C>A on the coding strand, the complement: DHRS13 is on the minus strand). VCF-style: chr17-28902700-G-T. GRCh37 (hg19) VCF-style: chr17-27229718-G-T.
Identifiers: ClinVar variation 2647604 (VCV002647604.24), dbSNP rs553376241, ClinGen allele CA8469596.